The following is an entry in ClinVar:

ClinVar aggregate classification (germline): Uncertain significance (1 of 4 stars; one submission).

Conditions:
Familial thoracic aortic aneurysm and aortic dissection (TAAD). Also called: Thoracic aortic aneurysms and dissections. Identifiers: Orphanet 91387, MedGen C4707243, MONDO:0019625.

gnomAD v4.1: 2 of 1,613,988 alleles (0.00012%); highest among the groups gnomAD compares: African/African-American, 0.0027%; no homozygotes.

Submission:

Ambry Genetics
Classification: Uncertain significance for Familial thoracic aortic aneurysm and aortic dissection. Last evaluated: 2025-01-16. Review status: criteria provided, single submitter. Criteria: Ambry Variant Classification Scheme 2023. Collection method: clinical testing. Allele origin: germline.
Comment: The p.L1855M variant (also known as c.5563T>A), located in coding exon 38 of the MYH11 gene, results from a T to A substitution at nucleotide position 5563. The leucine at codon 1855 is replaced by methionine, an amino acid with highly similar properties. This amino acid position is conserved. In addition, this alteration is predicted to be tolerated by in silico analysis. Based on the available evidence, the clinical significance of this variant remains unclear.

NM_002474.3(MYH11):c.5563T>A (p.Leu1855Met)

Genes: MYH11 (myosin heavy chain 11; minus strand), NDE1 (nudE neurodevelopment protein 1; plus strand). Cytogenetic location: 16p13.11.
Variant type: single nucleotide variant.
Coding change: c.5563T>A on transcript NM_002474.3 (MANE Select); coding-DNA position 5563, T replaced by A.
Protein change: p.Leu1855Met; replaces leucine 1855 with methionine.
Molecular consequence: missense variant. On other transcripts: intron variant (2).
Genome position (GRCh38, 1-based): chr16:15,715,214, A>T on the plus strand (T>A on the coding strand, the complement: MYH11 is on the minus strand). VCF-style: chr16-15715214-A-T. GRCh37 (hg19) VCF-style: chr16-15809071-A-T.
Other names: c.5584T>A, p.Leu1862Met (NM_001040113.2, NM_001040114.2); c.5563T>A, p.Leu1855Met (NM_022844.3); c.948-8977A>T (NM_001143979.2, NM_017668.3); short protein forms L1862M, L1855M.
Identifiers: ClinVar variation 3876294 (VCV003876294.1).